The following is an entry in ClinVar:

NM_000186.4(CFH):c.3210del (p.Glu1071fs)

Gene: CFH (complement factor H; plus strand). Cytogenetic location: 1q31.3.
Variant type: Deletion.
Coding change: c.3210del on transcript NM_000186.4 (MANE Select); coding-DNA position 3210, one base deleted (T; older notation c.3210delT).
Protein change: p.Glu1071fs; shifts the reading frame from glutamic acid 1071.
Molecular consequence: frameshift variant.
Genome position (GRCh38, 1-based): chr1:196,743,528, T deleted. VCF-style (leftmost placement, unchanged base first): chr1-196743527-GT-G. GRCh37 (hg19) VCF-style: chr1-196712657-GT-G.
Other names: short protein forms E1071fs.
Identifiers: ClinVar variation 4291544 (VCV004291544.1).

ClinVar aggregate classification (germline): Pathogenic, low penetrance (1 of 4 stars; one submission).

Conditions:
Atypical hemolytic-uremic syndrome. Identifiers: Orphanet 2134, MedGen C2931788, MONDO:0016244.

Submission:

Genomenon, Inc
Classification: Pathogenic, low penetrance for Atypical hemolytic-uremic syndrome. Last evaluated: 2025-10-02. Review status: criteria provided, single submitter. Criteria: Genomenon Sequence Variant Interpretation Standards - Updated. Collection method: curation. Allele origin: germline. Affected: yes.
Comment: CFH p.Glu1071ArgfsTer19 (c.3210del) is a frameshift variant that results in the production of a truncated protein which is predicted to undergo nonsense-mediated mRNA decay. This variant has been observed in at least one proband affected with atypical hemolytic-uremic syndrome (PMID:23847193). It is absent or not present at a significant frequency in gnomAD. In conclusion, we classify CFH p.Glu1071ArgfsTer19 (c.3210del) as a pathogenic, low penetrance variant.

Literature cited by the submitters: PubMed 23847193.